The following is an entry in ClinVar:

NM_001077350.3(NPRL3):c.275G>A (p.Arg92Gln)

Genes: HBA-LCR (alpha-globin locus control region; plus strand), NPRL3 (NPR3 like, GATOR1 complex subunit; minus strand). Cytogenetic location: 16p13.3.
Variant type: single nucleotide variant.
Coding change: c.275G>A on transcript NM_001077350.3 (MANE Select); coding-DNA position 275, G replaced by A.
Protein change: p.Arg92Gln; replaces arginine 92 with glutamine.
Molecular consequence: missense variant. On other transcripts: intron variant (1).
Genome position (GRCh38, 1-based): chr16:119,169, C>T on the plus strand (G>A on the coding strand, the complement: NPRL3 is on the minus strand). VCF-style: chr16-119169-C-T. GRCh37 (hg19) VCF-style: chr16-169168-C-T.
Other names: c.41G>A, p.Arg14Gln (NM_001243247.2); c.275G>A, p.Arg92Gln (NM_001243248.2, NM_001243249.2); c.-144-6394G>A (NM_001039476.3); short protein forms R92Q, R14Q.
Identifiers: ClinVar variation 582124 (VCV000582124.42), dbSNP rs367729589, ClinGen allele CA7769719.

ClinVar aggregate classification (germline): Uncertain significance. Review status: criteria provided, multiple submitters, no conflicts (2 of 4 stars). 5 submissions from 5 submitters: Uncertain significance (5). Last evaluated 2025-12-02.

Conditions:
Epilepsy, familial focal, with variable foci 3 (FFEVF3). Identifiers: MedGen C4310708, MONDO:0014925, OMIM 617118.
Seizure. Also called: Seizures. Identifiers: MedGen C0036572, HP:0001250.

Allele frequency attached by ClinVar (database versions not stated): ExAC 0.00004; gnomAD exomes 0.00006 and 0.00014; gnomAD 0.00007; ESP Exome Variant Server 0.00016.
gnomAD v4.1: 212 of 1,613,128 alleles (0.013%); highest among the groups gnomAD compares: Non-Finnish European, 0.018%; no homozygotes.

Submissions (5):

Labcorp Genetics (formerly Invitae), Labcorp
Classification: Uncertain significance for Epilepsy, familial focal, with variable foci 3. Last evaluated: 2025-12-02. Review status: criteria provided, single submitter. Criteria: Invitae Variant Classification Sherloc (09022015). Collection method: clinical testing. Allele origin: germline.
Comment: This sequence change replaces arginine, which is basic and polar, with glutamine, which is neutral and polar, at codon 92 of the NPRL3 protein (p.Arg92Gln). The frequency data for this variant in the population databases is considered unreliable, as metrics indicate poor data quality at this position in the gnomAD database. This missense change has been observed in individual(s) with familial cortical dysplasia and/or frontal lobe epilepsy (PMID: 26285051, 26505888). ClinVar contains an entry for this variant (Variation ID: 582124). Invitae Evidence Modeling of protein sequence and biophysical properties (such as structural, functional, and spatial information, amino acid conservation, physicochemical variation, residue mobility, and thermodynamic stability) indicates that this missense variant is expected to disrupt NPRL3 protein function with a positive predictive value of 80%. Experimental studies have shown that this missense change does not substantially affect NPRL3 function (PMID: 31639411). In summary, the available evidence is currently insufficient to determine the role of this variant in disease. Therefore, it has been classified as a Variant of Uncertain Significance.

CeGaT Center for Human Genetics Tuebingen
Classification: Uncertain significance. Last evaluated: 2025-08-01. Review status: criteria provided, single submitter. Criteria: CeGaT Center For Human Genetics Tuebingen Variant Classification Criteria Version 2. Collection method: clinical testing. Allele origin: germline. Affected: yes. Observed: 3 variant alleles.

Cytogénomique, Hospices Civils de Lyon
Classification: Uncertain significance for Seizures. Last evaluated: 2023-11-27. Review status: criteria provided, single submitter. Criteria: ACMG Guidelines, 2015. Collection method: clinical testing. Allele origin: unknown. Affected: yes. Observed: 1 variant allele, 1 compound heterozygote.

Revvity Omics, Revvity
Classification: Uncertain significance for Epilepsy, familial focal, with variable foci 3. Last evaluated: 2022-07-07. Review status: criteria provided, single submitter. Criteria: ACMG Guidelines, 2015. Collection method: clinical testing. Allele origin: germline.

Blueprint Genetics
Classification: Uncertain significance. Last evaluated: 2021-09-14. Review status: criteria provided, single submitter. Criteria: ACMG Guidelines, 2015. Collection method: clinical testing. Allele origin: germline.

Literature cited by the submitters: PubMed 26285051 (cited by Labcorp Genetics (formerly Invitae), Labcorp); PubMed 26505888 (cited by Labcorp Genetics (formerly Invitae), Labcorp); PubMed 31639411 (cited by Labcorp Genetics (formerly Invitae), Labcorp).